The following is an entry in ClinVar:

ClinVar aggregate classification (germline): Uncertain significance. Review status: criteria provided, multiple submitters, no conflicts (2 of 4 stars). 3 submissions from 3 submitters: Uncertain significance (3). Last evaluated 2025-07-02.

Conditions:
Neuroblastoma, susceptibility to, 3. Also called: ALK-Related Neuroblastic Tumor Susceptibility. Identifiers: Orphanet 635, MedGen C2751681, MONDO:0013083, OMIM 613014.
Hereditary cancer-predisposing syndrome. Also called: Neoplastic Syndromes, Hereditary; Tumor predisposition; Hereditary Cancer Syndrome; Hereditary neoplastic syndrome. Identifiers: Orphanet 140162, MedGen C0027672, MeSH D009386, MONDO:0015356.

Allele frequency attached by ClinVar (database versions not stated): gnomAD exomes below 0.00001; TOPMed below 0.00001; ExAC 0.00001; ESP Exome Variant Server 0.00008.
gnomAD v4.1: 3 of 1,614,170 alleles (0.00019%); highest among the groups gnomAD compares: Non-Finnish European, 0.00025%; no homozygotes.

Submissions (3):

Labcorp Genetics (formerly Invitae), Labcorp
Classification: Uncertain significance for Neuroblastoma, susceptibility to, 3. Last evaluated: 2025-07-02. Review status: criteria provided, single submitter. Criteria: Invitae Variant Classification Sherloc (09022015). Collection method: clinical testing. Allele origin: germline.
Comment: This sequence change replaces glycine, which is neutral and non-polar, with arginine, which is basic and polar, at codon 1600 of the ALK protein (p.Gly1600Arg). This variant is present in population databases (rs369781538, gnomAD 0.0009%). This variant has not been reported in the literature in individuals affected with ALK-related conditions. ClinVar contains an entry for this variant (Variation ID: 1743142). An algorithm developed to predict the effect of missense changes on protein structure and function (PolyPhen-2) suggests that this variant is likely to be tolerated. In summary, the available evidence is currently insufficient to determine the role of this variant in disease. Therefore, it has been classified as a Variant of Uncertain Significance.

Ambry Genetics
Classification: Uncertain significance for Hereditary cancer-predisposing syndrome. Last evaluated: 2024-07-08. Review status: criteria provided, single submitter. Criteria: Ambry Variant Classification Scheme 2023. Collection method: clinical testing. Allele origin: germline.
Comment: The p.G1600R variant (also known as c.4798G>A), located in coding exon 29 of the ALK gene, results from a G to A substitution at nucleotide position 4798. The glycine at codon 1600 is replaced by arginine, an amino acid with dissimilar properties. This amino acid position is conserved. In addition, this alteration is predicted to be tolerated by in silico analysis. Since supporting evidence is limited at this time, the clinical significance of this alteration remains unclear.

Baylor Genetics
Classification: Uncertain significance for Neuroblastoma, susceptibility to, 3. Last evaluated: 2024-02-29. Review status: criteria provided, single submitter. Criteria: ACMG Guidelines, 2015. Collection method: clinical testing. Allele origin: unknown.

NM_004304.5(ALK):c.4798G>A (p.Gly1600Arg)

Gene: ALK (ALK receptor tyrosine kinase; minus strand). Cytogenetic location: 2p23.2.
Variant type: single nucleotide variant.
Coding change: c.4798G>A on transcript NM_004304.5 (MANE Select); coding-DNA position 4798, G replaced by A.
Protein change: p.Gly1600Arg; replaces glycine 1600 with arginine.
Molecular consequence: missense variant.
Genome position (GRCh38, 1-based): chr2:29,193,289, C>T on the plus strand (G>A on the coding strand, the complement: ALK is on the minus strand). VCF-style: chr2-29193289-C-T. GRCh37 (hg19) VCF-style: chr2-29416155-C-T.
Other names: c.1594G>A, p.Gly532Arg (NM_001353765.2); short protein forms G532R, G1600R.
Identifiers: ClinVar variation 1743142 (VCV001743142.7), dbSNP rs369781538, ClinGen allele CA1593479.